The following is an entry in ClinVar:

NM_003718.5(CDK13):c.1927C>T (p.Arg643Ter)

Gene: CDK13 (cyclin dependent kinase 13; plus strand). Cytogenetic location: 7p14.1.
Variant type: single nucleotide variant.
Coding change: c.1927C>T on transcript NM_003718.5 (MANE Select); coding-DNA position 1927, C replaced by T.
Protein change: p.Arg643Ter; replaces arginine 643 with a stop codon.
Molecular consequence: nonsense.
Genome position (GRCh38, 1-based): chr7:39,997,549, C>T. VCF-style: chr7-39997549-C-T. GRCh37 (hg19) VCF-style: chr7-40037148-C-T.
Other names: c.1927C>T, p.Arg643Ter (NM_031267.4); short protein forms R643*.
Identifiers: ClinVar variation 3767585 (VCV003767585.1).

ClinVar aggregate classification (germline): Uncertain significance (1 of 4 stars; one submission).

gnomAD v4.1: 1 of 1,603,726 alleles (0.000062%); no homozygotes.

Submission:

GeneDx
Classification: Uncertain significance. Last evaluated: 2024-09-05. Review status: criteria provided, single submitter. Criteria: GeneDx Variant Classification Process June 2021. Collection method: clinical testing. Allele origin: germline. Affected: yes.
Comment: Not observed at significant frequency in large population cohorts (gnomAD); Nonsense variant predicted to result in protein truncation or nonsense mediated decay in a gene or region of a gene for which loss of function is not a well-established mechanism of disease; Has not been previously published as pathogenic or benign to our knowledge